The following is an entry in ClinVar:

NM_000642.3(AGL):c.4561T>C (p.Ser1521Pro)

Gene: AGL (amylo-alpha-1,6-glucosidase and 4-alpha-glucanotransferase; plus strand). Cytogenetic location: 1p21.2.
Variant type: single nucleotide variant.
Coding change: c.4561T>C on transcript NM_000642.3 (MANE Select); coding-DNA position 4561, T replaced by C.
Protein change: p.Ser1521Pro; replaces serine 1521 with proline.
Molecular consequence: missense variant.
Genome position (GRCh38, 1-based): chr1:99,921,613, T>C. VCF-style: chr1-99921613-T-C. GRCh37 (hg19) VCF-style: chr1-100387169-T-C.
Other names: c.4561T>C, p.Ser1521Pro (NM_000028.3, NM_000643.3, NM_000644.3 and 1 more transcripts); c.4513T>C, p.Ser1505Pro (NM_000646.3); c.4540T>C, p.Ser1514Pro (NM_001425326.1); c.4360T>C, p.Ser1454Pro (NM_001425327.1); c.4357T>C, p.Ser1453Pro (NM_001425328.1); c.4222T>C, p.Ser1408Pro (NM_001425329.1); c.4183T>C, p.Ser1395Pro (NM_001425332.1); short protein forms S1521P, S1505P, S1395P, S1408P, S1453P, S1454P, S1514P.
Identifiers: ClinVar variation 1408823 (VCV001408823.5), dbSNP rs1406341617, ClinGen allele CA341343862.

ClinVar aggregate classification (germline): Uncertain significance (1 of 4 stars; one submission).

Conditions:
Glycogen storage disease type III (GSD3). Also called: Cori disease; FORBES DISEASE. Identifiers: Orphanet 366, MedGen C0017922, MONDO:0009291, OMIM 232400.

Allele frequency attached by ClinVar (database versions not stated): gnomAD exomes below 0.00001.
gnomAD v4.1: 2 of 1,612,804 alleles (0.00012%); highest among the groups gnomAD compares: South Asian, 0.0022%; no homozygotes.

Submission:

Labcorp Genetics (formerly Invitae), Labcorp
Classification: Uncertain significance for Glycogen storage disease type III. Last evaluated: 2021-09-02. Review status: criteria provided, single submitter. Criteria: Invitae Variant Classification Sherloc (09022015). Collection method: clinical testing. Allele origin: germline.
Comment: This sequence change replaces serine with proline at codon 1521 of the AGL protein (p.Ser1521Pro). The serine residue is highly conserved and there is a moderate physicochemical difference between serine and proline. This variant is not present in population databases (ExAC no frequency). This variant has not been reported in the literature in individuals affected with AGL-related conditions. Algorithms developed to predict the effect of missense changes on protein structure and function are either unavailable or do not agree on the potential impact of this missense change (SIFT: "Deleterious"; PolyPhen-2: "Probably Damaging"; Align-GVGD: "Class C0"). In summary, the available evidence is currently insufficient to determine the role of this variant in disease. Therefore, it has been classified as a Variant of Uncertain Significance.